The following is an entry in ClinVar:

ClinVar aggregate classification (germline): Uncertain significance (1 of 4 stars; one submission).

Submission:

Labcorp Genetics (formerly Invitae), Labcorp
Classification: Uncertain significance. Last evaluated: 2023-04-10. Review status: criteria provided, single submitter. Criteria: Invitae Variant Classification Sherloc (09022015). Collection method: clinical testing. Allele origin: germline.
Comment: This variant has not been reported in the literature in individuals affected with ABCA4-related conditions. This variant is present in population databases (no rsID available, gnomAD 0.008%). This variant, c.2751_2753del, results in the deletion of 1 amino acid(s) of the ABCA4 protein (p.Phe918del), but otherwise preserves the integrity of the reading frame. In summary, the available evidence is currently insufficient to determine the role of this variant in disease. Therefore, it has been classified as a Variant of Uncertain Significance.

NM_000350.3(ABCA4):c.2748CTT[1] (p.Phe918del)

Gene: ABCA4 (ATP binding cassette subfamily A member 4; minus strand). Cytogenetic location: 1p22.1.
Variant type: Microsatellite.
Coding change: c.2748CTT[1] on transcript NM_000350.3 (MANE Select); one copy of the 3-base unit CTT starting at c.2748; the reference has two copies in a row; one copy, 3 bases deleted.
Protein change: p.Phe918del; deletes phenylalanine 918.
Molecular consequence: inframe deletion. On other transcripts: inframe indel (1).
Genome position (GRCh38, 1-based): chr1:94,047,084-94,047,086, AAG deleted on the plus strand (CTT on the coding strand, the reverse complement: ABCA4 is on the minus strand); deleting any 3 consecutive bases within chr1:94,047,084-94,047,089 gives the same sequence; the position shown is the placement nearest the transcript's 3' end. VCF-style (leftmost placement, unchanged base first): chr1-94047083-AAAG-A. GRCh37 (hg19) VCF-style: chr1-94512639-AAAG-A.
Other names: c.2526_2528CTT[1], p.Phe844del (NM_001425324.1); short protein forms F844del, F918del.
Identifiers: ClinVar variation 2970156 (VCV002970156.3), dbSNP rs1217511061, ClinGen allele CA418812458.